The following is an entry in ClinVar:

NM_004517.4(ILK):c.164_181del (p.Met55_Ile60del)

Genes: ILK (integrin linked kinase; plus strand), TAF10 (TATA-box binding protein associated factor 10; minus strand). Cytogenetic location: 11p15.4.
Variant type: Deletion.
Coding change: c.164_181del on transcript NM_004517.4 (MANE Select); coding-DNA positions 164 to 181, 18 bases deleted (TGCGGGGGGCACGGATCA).
Protein change: p.Met55_Ile60del.
Molecular consequence: inframe deletion. On other transcripts: 3 prime UTR variant (1), intron variant (1).
Genome position (GRCh38, 1-based): chr11:6,608,120-6,608,137, TGCGGGGGGCACGGATCA deleted; deleting any 18 consecutive bases within chr11:6,608,115-6,608,137 gives the same sequence; the c. name uses the placement nearest the transcript's 3' end. VCF-style (leftmost placement, unchanged base first): chr11-6608114-TGATCATGCGGGGGGCACG-T. GRCh37 (hg19) VCF-style: chr11-6629344-TGATCATGCGGGGGGCACG-T.
Other names: c.164_181del, p.Met55_Ile60del (NM_001014794.3, NM_001014795.3, NM_001278441.2); c.*2790_*2807del (NM_006284.4); c.-147-274_-147-257del (NM_001278442.2).
Identifiers: ClinVar variation 662408 (VCV000662408.1), dbSNP rs746571606, ClinGen allele CA5857960.

ClinVar aggregate classification (germline): Uncertain significance (1 of 4 stars; one submission).

Conditions:
Primary familial hypertrophic cardiomyopathy (HCM). Identifiers: Orphanet 99739, MedGen C0949658, MeSH D024741, MONDO:0024573. Inheritance: Various modes of inheritance.

Submission:

Labcorp Genetics (formerly Invitae), Labcorp
Classification: Uncertain significance for Primary familial hypertrophic cardiomyopathy. Last evaluated: 2018-10-09. Review status: criteria provided, single submitter. Criteria: Invitae Variant Classification Sherloc (09022015). Collection method: clinical testing. Allele origin: germline.
Comment: This variant, c.164_181delTGCGGGGGGCACGGATCA, results in the deletion of 6 amino acids of the ILK protein (p.Met55_Ile60del), but otherwise preserves the integrity of the reading frame. The frequency data for this variant in the population databases is considered unreliable, as metrics indicate poor data quality at this position in the ExAC database. This variant has not been reported in the literature in individuals with ILK-related disease. Experimental studies and prediction algorithms are not available for this variant, and the functional significance of the affected amino acid(s) is currently unknown. In summary, the available evidence is currently insufficient to determine the role of this variant in disease. Therefore, it has been classified as a Variant of Uncertain Significance.